The following is an entry in ClinVar:

ClinVar aggregate classification (germline): Uncertain significance (1 of 4 stars; one submission).

gnomAD v4.1: 21 of 1,614,000 alleles (0.0013%); highest among the groups gnomAD compares: South Asian, 0.0077%; no homozygotes.

Submission:

Labcorp Genetics (formerly Invitae), Labcorp
Classification: Uncertain significance. Last evaluated: 2024-05-14. Review status: criteria provided, single submitter. Criteria: Invitae Variant Classification Sherloc (09022015). Collection method: clinical testing. Allele origin: germline.
Comment: This sequence change replaces proline, which is neutral and non-polar, with leucine, which is neutral and non-polar, at codon 392 of the NLRP1 protein (p.Pro392Leu). This variant is present in population databases (rs200691997, gnomAD 0.01%). This variant has not been reported in the literature in individuals affected with NLRP1-related conditions. ClinVar contains an entry for this variant (Variation ID: 1982250). Algorithms developed to predict the effect of missense changes on protein structure and function output the following: SIFT: "Not Available"; PolyPhen-2: "Benign"; Align-GVGD: "Not Available". The leucine amino acid residue is found in multiple mammalian species, which suggests that this missense change does not adversely affect protein function. In summary, the available evidence is currently insufficient to determine the role of this variant in disease. Therefore, it has been classified as a Variant of Uncertain Significance.

NM_033004.4(NLRP1):c.1175C>T (p.Pro392Leu)

Gene: NLRP1 (NLR family pyrin domain containing 1; minus strand). Cytogenetic location: 17p13.2.
Variant type: single nucleotide variant.
Coding change: c.1175C>T on transcript NM_033004.4 (MANE Select); coding-DNA position 1175, C replaced by T.
Protein change: p.Pro392Leu; replaces proline 392 with leucine.
Molecular consequence: missense variant.
Genome position (GRCh38, 1-based): chr17:5,559,521, G>A on the plus strand (C>T on the coding strand, the complement: NLRP1 is on the minus strand). VCF-style: chr17-5559521-G-A. GRCh37 (hg19) VCF-style: chr17-5462841-G-A.
Other names: c.1175C>T, p.Pro392Leu (NM_001033053.3, NM_014922.5, NM_033006.4 and 1 more transcripts); short protein forms P392L.
Identifiers: ClinVar variation 1982250 (VCV001982250.4), dbSNP rs200691997, ClinGen allele CA8327411.